The following is an entry in ClinVar:

ClinVar aggregate classification (germline): Uncertain significance (1 of 4 stars; one submission).

Submission:

Labcorp Genetics (formerly Invitae), Labcorp
Classification: Uncertain significance. Last evaluated: 2021-02-25. Review status: criteria provided, single submitter. Criteria: Invitae Variant Classification Sherloc (09022015). Collection method: clinical testing. Allele origin: germline.
Comment: A copy number gain of the genomic region encompassing the full coding sequence of the CREB3L1 gene has been identified. The boundaries of this event are unknown as they extend beyond the assayed region for this gene and therefore may encompass additional genes. As the precise location of this event is unknown, it may be in tandem or it may be located elsewhere in the genome. This variant has not been reported in the literature in individuals with CREB3L1-related conditions. Experimental studies and prediction algorithms are not available or were not evaluated, and the functional significance of this variant is currently unknown. In summary, the available evidence is currently insufficient to determine the role of this variant in disease. Therefore, it has been classified as a Variant of Uncertain Significance.

NC_000011.9:g.(?_46299663)_(46342296_?)dup

Gene: CREB3L1 (cAMP responsive element binding protein 3 like 1; plus strand). Cytogenetic location: 11p11.2.
Variant type: Duplication.
Identifiers: ClinVar variation 2427144 (VCV002427144.3).